The following is an entry in ClinVar:

NM_004415.4(DSP):c.8401C>T (p.Arg2801Cys)

Gene: DSP (desmoplakin; plus strand). Cytogenetic location: 6p24.3.
Variant type: single nucleotide variant.
Coding change: c.8401C>T on transcript NM_004415.4 (MANE Select); coding-DNA position 8401, C replaced by T.
Protein change: p.Arg2801Cys; replaces arginine 2801 with cysteine.
Molecular consequence: missense variant.
Genome position (GRCh38, 1-based): chr6:7,585,663, C>T. VCF-style: chr6-7585663-C-T. GRCh37 (hg19) VCF-style: chr6-7585896-C-T.
Other names: c.8401C>T (NM_004415.2); c.6604C>T, p.Arg2202Cys (NM_001008844.3); c.7072C>T, p.Arg2358Cys (NM_001319034.2); short protein forms R2801C, R2202C, R2358C.
Identifiers: ClinVar variation 1366228 (VCV001366228.7), dbSNP rs760215987, ClinGen allele CA362695077.
Genomic context (GRCh38, chr6:7,585,663, plus strand): 5'-TTAAAAATATCCTATAAGGATGCCATAAATCGCTCCATGGTAGAAGATATCACTGGGCTG[C>T]GCCTTCTGGAAGCCGCCTCCGTGTCGTCCAAGGGCTTACCCAGCCCTTACAACATGTCTT-3'
Protein context (NP_004406.2, residues 2791-2811): RSMVEDITGL[Arg2801Cys]LLEAASVSSK

ClinVar aggregate classification (germline): Uncertain significance. Review status: criteria provided, multiple submitters, no conflicts (2 of 4 stars). 2 submissions from 2 submitters: Uncertain significance (2). Last evaluated 2025-02-20.

Conditions:
Arrhythmogenic cardiomyopathy with wooly hair and keratoderma. Also called: Arrhythmogenic cardiomyopathy with woolly hair and keratoderma; Carvajal syndrome; PALMOPLANTAR KERATODERMA WITH LEFT VENTRICULAR CARDIOMYOPATHY AND WOOLLY HAIR; Dilated cardiomyopathy with woolly hair and keratoderma. Identifiers: Orphanet 65282, MedGen C1854063, MONDO:0011581, OMIM 605676.
Arrhythmogenic right ventricular dysplasia 8 (ARVD8). Also called: Arrhythmogenic Right Ventricular Dysplasia/Cardiomyopathy 8; ARRHYTHMOGENIC RIGHT VENTRICULAR DYSPLASIA, FAMILIAL, 8; ARRHYTHMOGENIC RIGHT VENTRICULAR CARDIOMYOPATHY 8. Identifiers: MedGen C1843896, MONDO:0011831, OMIM 607450.
Cardiovascular phenotype. Identifiers: MedGen CN230736.

gnomAD v4.1: 2 of 1,614,236 alleles (0.00012%); highest among the groups gnomAD compares: African/African-American, 0.0013%; no homozygotes.

Submissions (2):

Ambry Genetics
Classification: Uncertain significance for Cardiovascular phenotype. Last evaluated: 2025-02-20. Review status: criteria provided, single submitter. Criteria: Ambry Variant Classification Scheme 2023. Collection method: clinical testing. Allele origin: germline.
Comment: The p.R2801C variant (also known as c.8401C>T), located in coding exon 24 of the DSP gene, results from a C to T substitution at nucleotide position 8401. The arginine at codon 2801 is replaced by cysteine, an amino acid with highly dissimilar properties. This amino acid position is conserved. In addition, the in silico prediction for this alteration is inconclusive. Based on the available evidence, the clinical significance of this variant remains unclear.

Labcorp Genetics (formerly Invitae), Labcorp
Classification: Uncertain significance for Arrhythmogenic cardiomyopathy with wooly hair and keratoderma; Arrhythmogenic right ventricular dysplasia 8. Last evaluated: 2024-07-09. Review status: criteria provided, single submitter. Criteria: Invitae Variant Classification Sherloc (09022015). Collection method: clinical testing. Allele origin: germline.
Comment: This sequence change replaces arginine, which is basic and polar, with cysteine, which is neutral and slightly polar, at codon 2801 of the DSP protein (p.Arg2801Cys). This variant is not present in population databases (gnomAD no frequency). This variant has not been reported in the literature in individuals affected with DSP-related conditions. ClinVar contains an entry for this variant (Variation ID: 1366228). An algorithm developed to predict the effect of missense changes on protein structure and function (PolyPhen-2) suggests that this variant is likely to be disruptive. In summary, the available evidence is currently insufficient to determine the role of this variant in disease. Therefore, it has been classified as a Variant of Uncertain Significance.